The following is an entry in ClinVar:

NM_001165963.4(SCN1A):c.4282G>T (p.Val1428Phe)

Genes: SCN1A (sodium voltage-gated channel alpha subunit 1; minus strand), LOC102724058 (uncharacterized LOC102724058; plus strand). Cytogenetic location: 2q24.3.
Variant type: single nucleotide variant.
Coding change: c.4282G>T on transcript NM_001165963.4 (MANE Select); coding-DNA position 4282, G replaced by T.
Protein change: p.Val1428Phe; replaces valine 1428 with phenylalanine.
Molecular consequence: missense variant. On other transcripts: non-coding transcript variant (1).
Genome position (GRCh38, 1-based): chr2:166,002,474, C>A on the plus strand (G>T on the coding strand, the complement: SCN1A is on the minus strand). VCF-style: chr2-166002474-C-A. GRCh37 (hg19) VCF-style: chr2-166858984-C-A.
Other names: c.4198G>T, p.Val1400Phe (NM_001165964.3, NM_001353957.2, NM_001353958.2); c.4282G>T, p.Val1428Phe (NM_001202435.3, NM_001353948.2); c.4249G>T, p.Val1417Phe (NM_001353949.2, NM_001353950.2, NM_001353951.2 and 2 more transcripts); c.4246G>T, p.Val1416Phe (NM_001353954.2, NM_001353955.2); c.4195G>T, p.Val1399Phe (NM_001353960.2); c.1840G>T, p.Val614Phe (NM_001353961.2); short protein forms V1417F, V1428F, V1399F, V1416F, V614F, V1400F.
Identifiers: ClinVar variation 238603 (VCV000238603.7), dbSNP rs878854263, ClinGen allele CA10581821.

ClinVar aggregate classification (germline): Pathogenic (1 of 4 stars; one submission).

Conditions:
Early-infantile DEE. Also called: Ohtahara syndrome; Early infantile epileptic encephalopathy; Early infantile epileptic encephalopathy with suppression bursts. Identifiers: Orphanet 1934, MedGen C0393706, MONDO:0800491.

Submission:

Labcorp Genetics (formerly Invitae), Labcorp
Classification: Pathogenic for Early-infantile DEE. Last evaluated: 2016-02-16. Review status: criteria provided, single submitter. Criteria: Invitae Variant Classification Sherloc (09022015). Collection method: clinical testing. Allele origin: germline.
Comment: Algorithms developed to predict the effect of missense changes on protein structure and function (SIFT, PolyPhen-2, Align-GVGD) all suggest that this variant is likely to be disruptive. In addition, algorithms developed to predict the effect of nucleotide changes on mRNA splicing suggest that this variant may alter mRNA splicing. These predictions have not been confirmed by published functional studies. For these reasons, this variant has been classified as Pathogenic. A different missense substitution at this codon (p.Val1428Ala) is reported in a patient with febrile seizures (PMID: 11524484), although the clinical significance of this variant is currently uncertain. This variant is not present in population databases (ExAC no frequency) and has not been reported in the literature in individuals with a SCN1A-related disease. This sequence change replaces valine with phenylalanine at codon 1428 of the SCN1A protein (p.Val1428Phe). The valine residue is highly conserved and there is a small physicochemical difference between valine and phenylalanine.

Literature cited by the submitters: PubMed 11524484.